The following is an entry in ClinVar:

ClinVar aggregate classification (germline): Uncertain significance (1 of 4 stars; one submission).

gnomAD v4.1: 1 of 1,613,340 alleles (0.000062%); highest among the groups gnomAD compares: African/African-American, 0.0013%; no homozygotes.

Submission:

GeneDx
Classification: Uncertain significance. Last evaluated: 2023-12-05. Review status: criteria provided, single submitter. Criteria: GeneDx Variant Classification Process June 2021. Collection method: clinical testing. Allele origin: germline. Affected: yes.
Comment: Not observed at significant frequency in large population cohorts (gnomAD); In silico analysis supports that this missense variant does not alter protein structure/function; Has not been previously published as pathogenic or benign to our knowledge

NM_022893.4(BCL11A):c.2140A>G (p.Ser714Gly)

Gene: BCL11A (BCL11 transcription factor A; minus strand). Cytogenetic location: 2p16.1.
Variant type: single nucleotide variant.
Coding change: c.2140A>G on transcript NM_022893.4 (MANE Select); coding-DNA position 2140, A replaced by G.
Protein change: p.Ser714Gly; replaces serine 714 with glycine.
Molecular consequence: missense variant. On other transcripts: intron variant (6).
Genome position (GRCh38, 1-based): chr2:60,460,772, T>C on the plus strand (A>G on the coding strand, the complement: BCL11A is on the minus strand). VCF-style: chr2-60460772-T-C. GRCh37 (hg19) VCF-style: chr2-60687907-T-C.
Other names: c.2038A>G, p.Ser680Gly (NM_001363864.1, NM_001365609.1, NM_001405711.1 and 2 more transcripts); c.2140A>G, p.Ser714Gly (NM_001405708.1, NM_001405709.1, NM_001405710.1 and 1 more transcripts); c.1984A>G, p.Ser662Gly (NM_001405713.1, NM_001405714.1, NM_001405715.1 and 3 more transcripts); c.1882A>G, p.Ser628Gly (NM_001405717.1, NM_001405718.1, NM_001405724.1); c.1807A>G, p.Ser603Gly (NM_001405720.1, NM_001405721.1); c.1684A>G, p.Ser562Gly (NM_001405725.1, NM_001405726.1, NM_001405727.1 and 1 more transcripts); c.1447A>G, p.Ser483Gly (NM_001405729.1); c.1603A>G, p.Ser535Gly (NM_001405730.1); and 5 more; short protein forms S383G, S483G, S535G, S562G, S603G, S628G, S662G, S680G.
Identifiers: ClinVar variation 3364940 (VCV003364940.1).